The following is an entry in ClinVar:

NM_001378120.1(MBD5):c.2751C>G (p.Ser917Arg)

Gene: MBD5 (methyl-CpG binding domain protein 5; plus strand). Cytogenetic location: 2q23.1.
Variant type: single nucleotide variant.
Coding change: c.2751C>G on transcript NM_001378120.1 (MANE Select); coding-DNA position 2751, C replaced by G.
Protein change: p.Ser917Arg; replaces serine 917 with arginine.
Molecular consequence: missense variant.
Genome position (GRCh38, 1-based): chr2:148,483,342, C>G. VCF-style: chr2-148483342-C-G. GRCh37 (hg19) VCF-style: chr2-149240911-C-G.
Other names: c.2751C>G, p.Ser917Arg (NM_018328.5); short protein forms S917R.
Identifiers: ClinVar variation 649788 (VCV000649788.14), dbSNP rs935799783, ClinGen allele CA57592879.

ClinVar aggregate classification (germline): Likely benign. Review status: criteria provided, multiple submitters, no conflicts (2 of 4 stars). 2 submissions from 2 submitters: Likely benign (2). Last evaluated 2026-01-13.

Conditions:
Intellectual developmental disorder, autosomal dominant 1. Also called: Intellectual disability, autosomal dominant 1; MBD5 Haploinsufficiency. Identifiers: Orphanet 228402, MedGen C1969562, MONDO:0007974, OMIM 156200.

Allele frequency attached by ClinVar (database versions not stated): TOPMed below 0.00001; gnomAD 0.00002; gnomAD exomes 0.00001.
gnomAD v4.1: 24 of 1,613,968 alleles (0.0015%); highest among the groups gnomAD compares: Non-Finnish European, 0.0019%; no homozygotes.

Submissions (2):

Labcorp Genetics (formerly Invitae), Labcorp
Classification: Likely benign for Intellectual developmental disorder, autosomal dominant 1. Last evaluated: 2026-01-13. Review status: criteria provided, single submitter. Criteria: Invitae Variant Classification Sherloc (09022015). Collection method: clinical testing. Allele origin: germline.

GeneDx
Classification: Likely benign. Last evaluated: 2018-06-07. Review status: criteria provided, single submitter. Criteria: GeneDx Variant Classification (06012015). Collection method: clinical testing. Allele origin: germline. Affected: yes.
Comment: This variant is considered likely benign or benign based on one or more of the following criteria: it is a conservative change, it occurs at a poorly conserved position in the protein, it is predicted to be benign by multiple in silico algorithms, and/or has population frequency not consistent with disease.